The following is an entry in ClinVar:

NM_001170700.3(DTHD1):c.946C>G (p.Pro316Ala)

Gene: DTHD1 (death domain containing 1; plus strand). Cytogenetic location: 4p14.
Variant type: single nucleotide variant.
Coding change: c.946C>G on transcript NM_001170700.3 (MANE Select); coding-DNA position 946, C replaced by G.
Protein change: p.Pro316Ala; replaces proline 316 with alanine.
Molecular consequence: missense variant. On other transcripts: non-coding transcript variant (2).
Genome position (GRCh38, 1-based): chr4:36,290,431, C>G. VCF-style: chr4-36290431-C-G. GRCh37 (hg19) VCF-style: chr4-36292053-C-G.
Other names: c.76C>G, p.Pro26Ala (NM_001136536.5, NM_001378435.1); short protein forms P26A, P316A.
Identifiers: ClinVar variation 1354729 (VCV001354729.6), dbSNP rs1353036946, ClinGen allele CA356678693.

ClinVar aggregate classification (germline): Uncertain significance (1 of 4 stars; one submission).

Allele frequency attached by ClinVar (database versions not stated): TOPMed 0.00001.
gnomAD v4.1: 1 of 1,551,932 alleles (0.000064%); highest among the groups gnomAD compares: African/African-American, 0.0014%; no homozygotes.

Submission:

Labcorp Genetics (formerly Invitae), Labcorp
Classification: Uncertain significance. Last evaluated: 2022-02-09. Review status: criteria provided, single submitter. Criteria: Invitae Variant Classification Sherloc (09022015). Collection method: clinical testing. Allele origin: germline.
Comment: In summary, the available evidence is currently insufficient to determine the role of this variant in disease. Therefore, it has been classified as a Variant of Uncertain Significance. Algorithms developed to predict the effect of sequence changes on RNA splicing suggest that this variant may create or strengthen a splice site. Algorithms developed to predict the effect of missense changes on protein structure and function are either unavailable or do not agree on the potential impact of this missense change (SIFT: "Deleterious"; PolyPhen-2: "Possibly Damaging"; Align-GVGD: "Class C0"). This variant has not been reported in the literature in individuals affected with DTHD1-related conditions. This variant is not present in population databases (gnomAD no frequency). This sequence change replaces proline, which is neutral and non-polar, with alanine, which is neutral and non-polar, at codon 26 of the DTHD1 protein (p.Pro26Ala).